The following is an entry in ClinVar:

ClinVar aggregate classification (germline): Uncertain significance (1 of 4 stars; one submission).

Conditions:
Autoimmune lymphoproliferative syndrome type 2A (ALPS2A). Also called: AUTOIMMUNE LYMPHOPROLIFERATIVE SYNDROME, TYPE IIA; CASP10-Related Autoimmune Lymphoproliferative Syndrome; Autoimmune lymphoproliferative syndrome type 2. Identifiers: Orphanet 3261, MedGen C1858968, MONDO:0011383, OMIM 603909.

Submission:

Labcorp Genetics (formerly Invitae), Labcorp
Classification: Uncertain significance for Autoimmune lymphoproliferative syndrome type 2A. Last evaluated: 2022-02-24. Review status: criteria provided, single submitter. Criteria: Invitae Variant Classification Sherloc (09022015). Collection method: clinical testing. Allele origin: germline.
Comment: In summary, the available evidence is currently insufficient to determine the role of this variant in disease. Therefore, it has been classified as a Variant of Uncertain Significance. This variant has not been reported in the literature in individuals affected with CASP10-related conditions. This variant is not present in population databases (gnomAD no frequency). This sequence change creates a premature translational stop signal (p.Gln385*) in the CASP10 gene. It is expected to result in an absent or disrupted protein product. However, the current clinical and genetic evidence is not sufficient to establish whether loss-of-function variants in CASP10 cause disease.

NM_032977.4(CASP10):c.1153C>T (p.Gln385Ter)

Gene: CASP10 (caspase 10; plus strand). Cytogenetic location: 2q33.1.
Variant type: single nucleotide variant.
Coding change: c.1153C>T on transcript NM_032977.4 (MANE Select); coding-DNA position 1153, C replaced by T.
Protein change: p.Gln385Ter; replaces glutamine 385 with a stop codon.
Molecular consequence: nonsense. On other transcripts: 3 prime UTR variant (1).
Genome position (GRCh38, 1-based): chr2:201,209,300, C>T. VCF-style: chr2-201209300-C-T. GRCh37 (hg19) VCF-style: chr2-202074023-C-T.
Other names: c.952C>T, p.Gln318Ter (NM_001206524.2); c.1024C>T, p.Gln342Ter (NM_001206542.2, NM_001230.5); c.1153C>T, p.Gln385Ter (NM_032974.5); c.*239C>T (NM_032976.4); short protein forms Q385*, Q342*, Q318*.
Identifiers: ClinVar variation 1474573 (VCV001474573.6), dbSNP rs2126048039, ClinGen allele CA350291763.